The following is an entry in ClinVar:

ClinVar aggregate classification (germline): Uncertain significance. Review status: criteria provided, single submitter (1 of 4 stars). 2 submissions from 2 submitters: Uncertain significance (1). 1 of the submissions does not count toward it. Last evaluated 2018-09-17.

Conditions:
SLC27A5-related disorder. Also called: SLC27A5-related condition.

Allele frequency attached by ClinVar (database versions not stated): gnomAD exomes 0.00004 and 0.00015; ExAC 0.00023; 1000 Genomes Project 30x 0.00031; 1000 Genomes Project 0.00040; gnomAD 0.00051 and 0.00053; TOPMed 0.00054; ESP Exome Variant Server 0.00085.
gnomAD v4.1: 144 of 1,612,674 alleles (0.0089%); highest among the groups gnomAD compares: African/African-American, 0.18%; no homozygotes.

Submissions (2):

Eurofins Ntd Llc (ga)
Classification: Uncertain significance. Last evaluated: 2018-09-17. Review status: criteria provided, single submitter. Criteria: EGL ClinVar v180209 classification definitions. Collection method: clinical testing. Allele origin: germline. Observed: 6 variant alleles, 6 heterozygotes.

PreventionGenetics, part of Exact Sciences
Classification: Likely benign for SLC27A5-related condition. Last evaluated: 2021-04-14. Review status: no assertion criteria provided. Collection method: clinical testing. Allele origin: germline. Not counted in ClinVar's aggregate classification.
Comment: This variant is classified as likely benign based on ACMG/AMP sequence variant interpretation guidelines (Richards et al. 2015 PMID: 25741868, with internal and published modifications).

NM_012254.3(SLC27A5):c.1668-10C>T

Gene: SLC27A5 (solute carrier family 27 member 5; minus strand). Cytogenetic location: 19q13.43.
Variant type: single nucleotide variant.
Coding change: c.1668-10C>T on transcript NM_012254.3 (MANE Select); 10 bases into the intron before coding-DNA position 1668, C replaced by T.
Molecular consequence: intron variant.
Genome position (GRCh38, 1-based): chr19:58,499,230, G>A on the plus strand (C>T on the coding strand, the complement: SLC27A5 is on the minus strand). VCF-style: chr19-58499230-G-A. GRCh37 (hg19) VCF-style: chr19-59010597-G-A.
Other names: c.1416-10C>T (NM_001321196.2); c.1668-10C>T (NM_012254.2).
Identifiers: ClinVar variation 500891 (VCV000500891.7), dbSNP rs375785125, ClinGen allele CA9717871.